The following is an entry in ClinVar:

NM_005144.5(HR):c.2370T>C (p.Asp790=)

Gene: HR (HR lysine demethylase and nuclear receptor corepressor; minus strand). Cytogenetic location: 8p21.3.
Variant type: single nucleotide variant.
Coding change: c.2370T>C on transcript NM_005144.5 (MANE Select); coding-DNA position 2370, T replaced by C.
Protein change: p.Asp790=; no amino-acid change (aspartic acid 790 retained).
Molecular consequence: synonymous variant.
Genome position (GRCh38, 1-based): chr8:22,120,956, A>G on the plus strand (T>C on the coding strand, the complement: HR is on the minus strand). VCF-style: chr8-22120956-A-G. GRCh37 (hg19) VCF-style: chr8-21978469-A-G.
Other names: c.2370T>C, p.Asp790= (NM_018411.4).
Identifiers: ClinVar variation 362495 (VCV000362495.10), dbSNP rs57903149, ClinGen allele CA4662113.

ClinVar aggregate classification (germline): Benign. Review status: criteria provided, multiple submitters, no conflicts (2 of 4 stars). 4 submissions from 3 submitters: Benign (4). Last evaluated 2026-02-02.

Conditions:
Alopecia universalis congenita (ALUNC). Also called: ATRICHIA, GENERALIZED. Identifiers: Orphanet 701, MedGen C1859877, MONDO:0008757, OMIM 203655.
Atrichia with papular lesions (APL). Also called: PAPULAR ATRICHIA. Identifiers: Orphanet 86819, MedGen C1859592, MONDO:0008847, OMIM 209500.

Allele frequency attached by ClinVar (database versions not stated): gnomAD exomes 0.02730 and 0.04416; ExAC 0.09545; gnomAD 0.10971 and 0.11618; 1000 Genomes Project 0.11382; ESP Exome Variant Server 0.11836; 1000 Genomes Project 30x 0.11883; TOPMed 0.12412.

Submissions (4):

Labcorp Genetics (formerly Invitae), Labcorp
Classification: Benign. Last evaluated: 2026-02-02. Review status: criteria provided, single submitter. Criteria: Invitae Variant Classification Sherloc (09022015). Collection method: clinical testing. Allele origin: germline.

Illumina Laboratory Services, Illumina
Classification: Benign for Atrichia with papular lesions. Last evaluated: 2018-01-12. Review status: criteria provided, single submitter. Criteria: ICSL Variant Classification Criteria 13 December 2019. Collection method: clinical testing. Allele origin: germline.
Comment: This variant was observed in the ICSL laboratory as part of a predisposition screen in an ostensibly healthy population. It had not been previously curated by ICSL or reported in the Human Gene Mutation Database (HGMD: prior to June 1st, 2018), and was therefore a candidate for classification through an automated scoring system. Utilizing variant allele frequency, disease prevalence and penetrance estimates, and inheritance mode, an automated score was calculated to assess if this variant is too frequent to cause the disease. Based on the score and internal cut-off values, a variant classified as benign is not then subjected to further curation. The score for this variant resulted in a classification of benign for this disease.

Illumina Laboratory Services, Illumina
Classification: Benign for Alopecia universalis congenita. Last evaluated: 2018-01-12. Review status: criteria provided, single submitter. Criteria: ICSL Variant Classification Criteria 13 December 2019. Collection method: clinical testing. Allele origin: germline.
Comment: the same text as in the submission from Illumina Laboratory Services, Illumina above.

Breakthrough Genomics
Classification: Benign. Review status: criteria provided, single submitter. Criteria: ACMG Guidelines, 2015. Collection method: not provided. Allele origin: germline. Inheritance: Autosomal recessive inheritance. Affected: yes.